The following is an entry in ClinVar:

NM_002661.5(PLCG2):c.3349C>G (p.Gln1117Glu)

Gene: PLCG2 (phospholipase C gamma 2; plus strand). Cytogenetic location: 16q23.3.
Variant type: single nucleotide variant.
Coding change: c.3349C>G on transcript NM_002661.5 (MANE Select); coding-DNA position 3349, C replaced by G.
Protein change: p.Gln1117Glu; replaces glutamine 1117 with glutamic acid.
Molecular consequence: missense variant.
Genome position (GRCh38, 1-based): chr16:81,939,927, C>G. VCF-style: chr16-81939927-C-G. GRCh37 (hg19) VCF-style: chr16-81973532-C-G.
Other names: c.3349C>G, p.Gln1117Glu (NM_001425749.1, NM_001425750.1, NM_001425751.1); short protein forms Q1117E.
Identifiers: ClinVar variation 3618894 (VCV003618894.2).

ClinVar aggregate classification (germline): Uncertain significance (1 of 4 stars; one submission).

Conditions:
Familial cold autoinflammatory syndrome 3 (FCAS3). Also called: ANTIBODY DEFICIENCY AND IMMUNE DYSREGULATION, PLCG2-ASSOCIATED; FAMILIAL ATYPICAL COLD URTICARIA. Identifiers: Orphanet 300359, MedGen C3280914, MONDO:0013766, OMIM 614468.

Submission:

Labcorp Genetics (formerly Invitae), Labcorp
Classification: Uncertain significance for Familial cold autoinflammatory syndrome 3. Last evaluated: 2024-12-16. Review status: criteria provided, single submitter. Criteria: Invitae Variant Classification Sherloc (09022015). Collection method: clinical testing. Allele origin: germline.
Comment: This sequence change replaces glutamine, which is neutral and polar, with glutamic acid, which is acidic and polar, at codon 1117 of the PLCG2 protein (p.Gln1117Glu). This variant is not present in population databases (gnomAD no frequency). This variant has not been reported in the literature in individuals affected with PLCG2-related conditions. An algorithm developed to predict the effect of missense changes on protein structure and function (PolyPhen-2) suggests that this variant is likely to be tolerated. In summary, the available evidence is currently insufficient to determine the role of this variant in disease. Therefore, it has been classified as a Variant of Uncertain Significance.